The following is an entry in ClinVar:

ClinVar aggregate classification (germline): Uncertain significance (1 of 4 stars; one submission).

Conditions:
Long QT syndrome (LQTS). Identifiers: MedGen C0023976, MeSH D008133, MONDO:0002442. Disease mechanism: loss of function. Inheritance: Various modes of inheritance.

gnomAD v4.1: 9 of 1,611,196 alleles (0.00056%); highest among the groups gnomAD compares: South Asian, 0.0055%; no homozygotes.

Submission:

Labcorp Genetics (formerly Invitae), Labcorp
Classification: Uncertain significance for Long QT syndrome. Last evaluated: 2024-12-27. Review status: criteria provided, single submitter. Criteria: Invitae Variant Classification Sherloc (09022015). Collection method: clinical testing. Allele origin: germline.
Comment: This sequence change replaces valine, which is neutral and non-polar, with methionine, which is neutral and non-polar, at codon 2098 of the CACNA1C protein (p.Val2098Met). This variant is not present in population databases (gnomAD no frequency). This variant has not been reported in the literature in individuals affected with CACNA1C-related conditions. Invitae Evidence Modeling of protein sequence and biophysical properties (such as structural, functional, and spatial information, amino acid conservation, physicochemical variation, residue mobility, and thermodynamic stability) indicates that this missense variant is not expected to disrupt CACNA1C protein function with a negative predictive value of 95%. In summary, the available evidence is currently insufficient to determine the role of this variant in disease. Therefore, it has been classified as a Variant of Uncertain Significance.

NM_000719.7(CACNA1C):c.6292G>A (p.Val2098Met)

Genes: CACNA1C (calcium voltage-gated channel subunit alpha1 C; plus strand), CACNA1C-AS1 (CACNA1C antisense RNA 1; minus strand). Cytogenetic location: 12p13.33.
Variant type: single nucleotide variant.
Coding change: c.6292G>A on transcript NM_000719.7 (MANE Select); coding-DNA position 6292, G replaced by A.
Protein change: p.Val2098Met; replaces valine 2098 with methionine.
Molecular consequence: missense variant. On other transcripts: non-coding transcript variant (1).
Genome position (GRCh38, 1-based): chr12:2,691,074, G>A. VCF-style: chr12-2691074-G-A. GRCh37 (hg19) VCF-style: chr12-2800240-G-A.
Other names: c.6397G>A, p.Val2133Met (NM_001167624.3, NM_001129830.3); c.6472G>A, p.Val2158Met (NM_001167625.2); c.6541G>A, p.Val2181Met (NM_199460.4); c.6436G>A, p.Val2146Met (NM_001129827.2); c.6415G>A, p.Val2139Met (NM_001129829.2); c.6376G>A, p.Val2126Met (NM_001129831.2); c.6352G>A, p.Val2118Met (NM_001129832.2); c.6349G>A, p.Val2117Met (NM_001129833.2, NM_001129834.2, NM_001129835.2); and 6 more; short protein forms V2087M, V2095M, V2098M, V2104M, V2106M, V2115M, V2117M, V2118M.
Identifiers: ClinVar variation 3604480 (VCV003604480.2).